The following is an entry in ClinVar:

ClinVar aggregate classification (germline): Uncertain significance (1 of 4 stars; one submission).

Conditions:
Hyperphosphatasia with impaired intellectual development syndrome 2. Also called: Hyperphosphatasia with intellectual disability syndrome 2; GLYCOSYLPHOSPHATIDYLINOSITOL BIOSYNTHESIS DEFECT 6. Identifiers: Orphanet 247262, MedGen C3553637, MONDO:0013882, OMIM 614749.

Allele frequency attached by ClinVar (database versions not stated): ExAC 0.00003; gnomAD exomes 0.00001; TOPMed below 0.00001; gnomAD 0.00001.
gnomAD v4.1: 4 of 1,613,810 alleles (0.00025%); highest among the groups gnomAD compares: Admixed American, 0.0017%; no homozygotes.

Submission:

Labcorp Genetics (formerly Invitae), Labcorp
Classification: Uncertain significance for Hyperphosphatasia with impaired intellectual development syndrome 2. Last evaluated: 2022-06-13. Review status: criteria provided, single submitter. Criteria: Invitae Variant Classification Sherloc (09022015). Collection method: clinical testing. Allele origin: germline.
Comment: This sequence change replaces alanine, which is neutral and non-polar, with glycine, which is neutral and non-polar, at codon 899 of the PIGO protein (p.Ala899Gly). This variant is present in population databases (rs774193694, gnomAD 0.002%). This variant has not been reported in the literature in individuals affected with PIGO-related conditions. Algorithms developed to predict the effect of missense changes on protein structure and function (SIFT, PolyPhen-2, Align-GVGD) all suggest that this variant is likely to be tolerated. In summary, the available evidence is currently insufficient to determine the role of this variant in disease. Therefore, it has been classified as a Variant of Uncertain Significance.

NM_032634.4(PIGO):c.2696C>G (p.Ala899Gly)

Gene: PIGO (phosphatidylinositol glycan anchor biosynthesis class O; minus strand). Cytogenetic location: 9p13.3.
Variant type: single nucleotide variant.
Coding change: c.2696C>G on transcript NM_032634.4 (MANE Select); coding-DNA position 2696, C replaced by G.
Protein change: p.Ala899Gly; replaces alanine 899 with glycine.
Molecular consequence: missense variant.
Genome position (GRCh38, 1-based): chr9:35,090,624, G>C on the plus strand (C>G on the coding strand, the complement: PIGO is on the minus strand). VCF-style: chr9-35090624-G-C. GRCh37 (hg19) VCF-style: chr9-35090621-G-C.
Other names: c.1445C>G, p.Ala482Gly (NM_001201484.2, NM_152850.4); short protein forms A482G, A899G.
Identifiers: ClinVar variation 1387012 (VCV001387012.3), dbSNP rs774193694, ClinGen allele CA5040350.